The following is an entry in ClinVar:

NM_000484.4(APP):c.496C>T (p.His166Tyr)

Gene: APP (amyloid beta precursor protein; minus strand). Cytogenetic location: 21q21.3.
Variant type: single nucleotide variant.
Coding change: c.496C>T on transcript NM_000484.4 (MANE Select); coding-DNA position 496, C replaced by T.
Protein change: p.His166Tyr; replaces histidine 166 with tyrosine.
Molecular consequence: missense variant.
Genome position (GRCh38, 1-based): chr21:26,051,166, G>A on the plus strand (C>T on the coding strand, the complement: APP is on the minus strand). VCF-style: chr21-26051166-G-A. GRCh37 (hg19) VCF-style: chr21-27423482-G-A.
Other names: c.481C>T, p.His161Tyr (NM_001136016.3); c.328C>T, p.His110Tyr (NM_001136129.3, NM_001136130.3); c.391C>T, p.His131Tyr (NM_001136131.3); c.496C>T, p.His166Tyr (NM_001204301.2, NM_001204302.2, NM_001204303.2 and 3 more transcripts); short protein forms H110Y, H166Y, H131Y, H161Y.
Identifiers: ClinVar variation 2186431 (VCV002186431.4), dbSNP rs201885206, ClinGen allele CA9987630.

ClinVar aggregate classification (germline): Uncertain significance (1 of 4 stars; one submission).

Conditions:
Alzheimer disease. Also called: Presenile and senile dementia; Alzheimer's disease. Identifiers: Orphanet 1020, MedGen C0002395, MeSH D000544, MONDO:0004975, HP:0002511.

Allele frequency attached by ClinVar (database versions not stated): ExAC 0.00003.

Submission:

Labcorp Genetics (formerly Invitae), Labcorp
Classification: Uncertain significance for Alzheimer disease. Last evaluated: 2023-04-24. Review status: criteria provided, single submitter. Criteria: Invitae Variant Classification Sherloc (09022015). Collection method: clinical testing. Allele origin: germline.
Comment: This variant has not been reported in the literature in individuals affected with APP-related conditions. This variant is present in population databases (rs201885206, gnomAD 0.004%). This sequence change replaces histidine, which is basic and polar, with tyrosine, which is neutral and polar, at codon 166 of the APP protein (p.His166Tyr). ClinVar contains an entry for this variant (Variation ID: 2186431). In summary, the available evidence is currently insufficient to determine the role of this variant in disease. Therefore, it has been classified as a Variant of Uncertain Significance. Advanced modeling of protein sequence and biophysical properties (such as structural, functional, and spatial information, amino acid conservation, physicochemical variation, residue mobility, and thermodynamic stability) performed at Invitae indicates that this missense variant is not expected to disrupt APP protein function.